The following is an entry in ClinVar:

ClinVar aggregate classification (germline): Uncertain significance (1 of 4 stars; one submission).

Conditions:
Inborn genetic diseases. Identifiers: MedGen C0950123, MeSH D030342.

Submission:

Ambry Genetics
Classification: Uncertain significance for Inborn genetic diseases. Last evaluated: 2025-10-21. Review status: criteria provided, single submitter. Criteria: Ambry Variant Classification Scheme 2023. Collection method: clinical testing. Allele origin: germline.
Comment: The p.A1213T variant (also known as c.3637G>A), located in coding exon 33 of the RTEL1 gene, results from a G to A substitution at nucleotide position 3637. The alanine at codon 1213 is replaced by threonine, an amino acid with similar properties. This amino acid position is conserved. In addition, this alteration is predicted to be tolerated by in silico analysis. Based on the available evidence, the clinical significance of this variant remains unclear.

NM_001283009.2(RTEL1):c.3637G>A (p.Ala1213Thr)

Genes: RTEL1 (regulator of telomere elongation helicase 1; plus strand), RTEL1-TNFRSF6B (RTEL1-TNFRSF6B readthrough (NMD candidate); plus strand). Cytogenetic location: 20q13.33.
Variant type: single nucleotide variant.
Coding change: c.3637G>A on transcript NM_001283009.2 (MANE Select); coding-DNA position 3637, G replaced by A.
Protein change: p.Ala1213Thr; replaces alanine 1213 with threonine.
Molecular consequence: missense variant. On other transcripts: non-coding transcript variant (1).
Genome position (GRCh38, 1-based): chr20:63,695,465, G>A. VCF-style: chr20-63695465-G-A. GRCh37 (hg19) VCF-style: chr20-62326818-G-A.
Other names: c.2968G>A, p.Ala990Thr (NM_001283010.1); c.3637G>A, p.Ala1213Thr (NM_016434.4); c.3709G>A, p.Ala1237Thr (NM_032957.5); short protein forms A990T, A1213T, A1237T.
Identifiers: ClinVar variation 4629552 (VCV004629552.1).